The following is an entry in ClinVar:

ClinVar aggregate classification (germline): Likely benign (1 of 4 stars; one submission).

Allele frequency attached by ClinVar (database versions not stated): TOPMed 0.00002; ExAC 0.00003; gnomAD 0.00003; gnomAD exomes 0.00004; ESP Exome Variant Server 0.00016.
gnomAD v4.1: 61 of 1,613,422 alleles (0.0038%); highest among the groups gnomAD compares: Non-Finnish European, 0.0048%; no homozygotes.

Submission:

CeGaT Center for Human Genetics Tuebingen
Classification: Likely benign. Last evaluated: 2023-07-01. Review status: criteria provided, single submitter. Criteria: CeGaT Center For Human Genetics Tuebingen Variant Classification Criteria Version 2. Collection method: clinical testing. Allele origin: germline. Affected: yes. Observed: 1 variant allele.
Comment: TET3: BP4

NM_001287491.2(TET3):c.2034C>T (p.Pro678=)

Gene: TET3 (tet methylcytosine dioxygenase 3; plus strand). Cytogenetic location: 2p13.1.
Variant type: single nucleotide variant.
Coding change: c.2034C>T on transcript NM_001287491.2 (MANE Select); coding-DNA position 2034, C replaced by T.
Protein change: p.Pro678=; no amino-acid change (proline 678 retained).
Molecular consequence: synonymous variant.
Genome position (GRCh38, 1-based): chr2:74,047,951, C>T. VCF-style: chr2-74047951-C-T. GRCh37 (hg19) VCF-style: chr2-74275078-C-T.
Other names: c.1755C>T, p.Pro585= (NM_001366022.1); c.1629C>T, p.Pro543= (NM_144993.1).
Identifiers: ClinVar variation 2578857 (VCV002578857.25), dbSNP rs373787742, ClinGen allele CA1718727.